The following is an entry in ClinVar:

NM_020207.7(ERCC6L2):c.1786A>G (p.Asn596Asp)

Gene: ERCC6L2 (ERCC excision repair 6 like 2; plus strand). Cytogenetic location: 9q22.32.
Variant type: single nucleotide variant.
Coding change: c.1786A>G on transcript NM_020207.7 (MANE Select); coding-DNA position 1786, A replaced by G.
Protein change: p.Asn596Asp; replaces asparagine 596 with aspartic acid.
Molecular consequence: missense variant. On other transcripts: non-coding transcript variant (1).
Genome position (GRCh38, 1-based): chr9:95,941,488, A>G. VCF-style: chr9-95941488-A-G. GRCh37 (hg19) VCF-style: chr9-98703770-A-G.
Other names: c.1786A>G, p.Asn596Asp (NM_001010895.4, NM_001375291.1, NM_001375292.1 and 2 more transcripts); short protein forms N596D.
Identifiers: ClinVar variation 1349275 (VCV001349275.9), dbSNP rs2132877847, ClinGen allele CA374119052.

ClinVar aggregate classification (germline): Uncertain significance. Review status: criteria provided, multiple submitters, no conflicts (2 of 4 stars). 2 submissions from 2 submitters: Uncertain significance (2). Last evaluated 2025-06-06.

Conditions:
Inborn genetic diseases. Identifiers: MedGen C0950123, MeSH D030342.

Submissions (2):

Ambry Genetics
Classification: Uncertain significance for Inborn genetic diseases. Last evaluated: 2025-06-06. Review status: criteria provided, single submitter. Criteria: Ambry Variant Classification Scheme 2023. Collection method: clinical testing. Allele origin: germline.
Comment: The p.N596D variant (also known as c.1786A>G), located in coding exon 12 of the ERCC6L2 gene, results from an A to G substitution at nucleotide position 1786. The asparagine at codon 596 is replaced by aspartic acid, an amino acid with highly similar properties. This amino acid position is conserved. In addition, this alteration is predicted to be tolerated by in silico analysis. Based on the available evidence, the clinical significance of this variant remains unclear.

Labcorp Genetics (formerly Invitae), Labcorp
Classification: Uncertain significance. Last evaluated: 2024-12-18. Review status: criteria provided, single submitter. Criteria: Invitae Variant Classification Sherloc (09022015). Collection method: clinical testing. Allele origin: germline.
Comment: This sequence change replaces asparagine, which is neutral and polar, with aspartic acid, which is acidic and polar, at codon 607 of the ERCC6L2 protein (p.Asn607Asp). This variant is not present in population databases (gnomAD no frequency). This variant has not been reported in the literature in individuals affected with ERCC6L2-related conditions. ClinVar contains an entry for this variant (Variation ID: 1349275). Experimental studies and prediction algorithms are not available or were not evaluated, and the functional significance of this variant is currently unknown. In summary, the available evidence is currently insufficient to determine the role of this variant in disease. Therefore, it has been classified as a Variant of Uncertain Significance.